The following is an entry in ClinVar:

NM_005996.4(TBX3):c.1453C>G (p.Pro485Ala)

Gene: TBX3 (T-box transcription factor 3; minus strand). Cytogenetic location: 12q24.21.
Variant type: single nucleotide variant.
Coding change: c.1453C>G on transcript NM_005996.4 (MANE Select); coding-DNA position 1453, C replaced by G.
Protein change: p.Pro485Ala; replaces proline 485 with alanine.
Molecular consequence: missense variant.
Genome position (GRCh38, 1-based): chr12:114,674,422, G>C on the plus strand (C>G on the coding strand, the complement: TBX3 is on the minus strand). VCF-style: chr12-114674422-G-C. GRCh37 (hg19) VCF-style: chr12-115112227-G-C.
Other names: c.1513C>G, p.Pro505Ala (NM_016569.4); short protein forms P485A, P505A.
Identifiers: ClinVar variation 3356030 (VCV003356030.1).

ClinVar aggregate classification (germline): Uncertain significance (0 of 4 stars; one submission).

Conditions:
TBX3-related disorder. Also called: TBX3-related condition.

Submission:

PreventionGenetics, part of Exact Sciences
Classification: Uncertain significance for TBX3-related condition. Last evaluated: 2024-04-16. Review status: no assertion criteria provided. Collection method: clinical testing. Allele origin: germline.
Comment: The TBX3 c.1513C>G variant is predicted to result in the amino acid substitution p.Pro505Ala. To our knowledge, this variant has not been reported in the literature or in a large population database, indicating this variant is rare. At this time, the clinical significance of this variant is uncertain due to the absence of conclusive functional and genetic evidence.